The following is an entry in ClinVar:

NM_152564.5(VPS13B):c.4874G>T (p.Ser1625Ile)

Gene: VPS13B (vacuolar protein sorting 13 homolog B; plus strand). Cytogenetic location: 8q22.2.
Variant type: single nucleotide variant.
Coding change: c.4874G>T on transcript NM_152564.5 (MANE Select); coding-DNA position 4874, G replaced by T.
Protein change: p.Ser1625Ile; replaces serine 1625 with isoleucine.
Molecular consequence: missense variant.
Genome position (GRCh38, 1-based): chr8:99,556,578, G>T. VCF-style: chr8-99556578-G-T. GRCh37 (hg19) VCF-style: chr8-100568806-G-T.
Other names: c.4949G>T, p.Ser1650Ile (NM_017890.5); c.4874G>T (NM_152564.4); short protein forms S1625I, S1650I.
Identifiers: ClinVar variation 437256 (VCV000437256.13), dbSNP rs1014154776, ClinGen allele CA182994138.

ClinVar aggregate classification (germline): Uncertain significance. Review status: criteria provided, multiple submitters, no conflicts (2 of 4 stars). 4 submissions from 4 submitters: Uncertain significance (4). Last evaluated 2026-01-30.

Conditions:
VPS13B-related disorder. Also called: VPS13B-related condition.
Cohen syndrome (COH1). Also called: PEPPER SYNDROME; Cutis verticis gyrata, retinitis pigmentosa, and sensorineural deafness. Identifiers: Orphanet 193, MedGen C0265223, MONDO:0008999, OMIM 216550.

Allele frequency attached by ClinVar (database versions not stated): gnomAD exomes below 0.00001; TOPMed below 0.00001.
gnomAD v4.1: 2 of 1,613,150 alleles (0.00012%); no homozygotes.

Submissions (4):

PreventionGenetics, part of Exact Sciences
Classification: Uncertain significance for VPS13B-related condition. Last evaluated: 2026-01-30. Review status: criteria provided, single submitter. Criteria: ACMG Guidelines, 2015. Collection method: clinical testing. Allele origin: germline.
Comment: The VPS13B c.4874G>T variant is predicted to result in the amino acid substitution p.Ser1625Ile. To our knowledge, this variant has not been reported in the literature. This variant has been reported in 1 heterozygous individual within the 'other' subpopulation in gnomAD. At this time, the clinical significance of this variant is uncertain due to the absence of conclusive functional and genetic evidence.

Labcorp Genetics (formerly Invitae), Labcorp
Classification: Uncertain significance for Cohen syndrome. Last evaluated: 2025-10-01. Review status: criteria provided, single submitter. Criteria: Invitae Variant Classification Sherloc (09022015). Collection method: clinical testing. Allele origin: germline.
Comment: This sequence change replaces serine, which is neutral and polar, with isoleucine, which is neutral and non-polar, at codon 1650 of the VPS13B protein (p.Ser1650Ile). This variant is not present in population databases (gnomAD no frequency). This variant has not been reported in the literature in individuals affected with VPS13B-related conditions. ClinVar contains an entry for this variant (Variation ID: 437256). Invitae Evidence Modeling of protein sequence and biophysical properties (such as structural, functional, and spatial information, amino acid conservation, physicochemical variation, residue mobility, and thermodynamic stability) indicates that this missense variant is not expected to disrupt VPS13B protein function with a negative predictive value of 80%. In summary, the available evidence is currently insufficient to determine the role of this variant in disease. Therefore, it has been classified as a Variant of Uncertain Significance.

Blueprint Genetics
Classification: Uncertain significance. Last evaluated: 2024-11-14. Review status: criteria provided, single submitter. Criteria: ACMG Guidelines, 2015. Collection method: clinical testing. Allele origin: germline.

Genetic Services Laboratory, University of Chicago
Classification: Uncertain significance. Last evaluated: 2015-10-22. Review status: criteria provided, single submitter. Criteria: ACMG Guidelines, 2015. Collection method: clinical testing. Allele origin: germline. Affected: no.